The following is an entry in ClinVar:

ClinVar aggregate classification (germline): Likely pathogenic (1 of 4 stars; one submission).

Conditions:
Hereditary insensitivity to pain with anhidrosis (CIPA). Also called: INSENSITIVITY TO PAIN, CONGENITAL, WITH ANHIDROSIS; hereditary sensory and autonomic neuropathy type 4; FAMILIAL DYSAUTONOMIA, TYPE II; NEUROPATHY, CONGENITAL SENSORY, WITH ANHIDROSIS; NTRK1 Congenital Insensitivity to Pain with Anhidrosis; HSAN Type IV. Identifiers: Orphanet 642, MedGen C0020074, MONDO:0009746, OMIM 256800.

Submission:

Natera, Inc.
Classification: Likely pathogenic for Hereditary insensitivity to pain with anhidrosis. Last evaluated: 2024-10-23. Review status: criteria provided, single submitter. Criteria: Natera Variant Classification Schema (03/2026). Collection method: clinical testing. Allele origin: germline.
Comment: The c.578_579del variant in NTRK1 is a frameshift variant predicted to shift the reading frame beginning at codon 193 and leads to a stop codon 64 codons downstream. This variant is expected to result in nonsense mediated decay, truncation, or a dysfunctional protein product. This variant is rare in the general population with a frequency below the threshold expected for the associated phenotype(s). Given the available evidence, this variant is classified as Likely Pathogenic.

NM_002529.4(NTRK1):c.578_579del (p.Val193fs)

Gene: NTRK1 (neurotrophic receptor tyrosine kinase 1; plus strand). Cytogenetic location: 1q23.1.
Variant type: Microsatellite.
Coding change: c.578_579del on transcript NM_002529.4 (MANE Select); coding-DNA positions 578 to 579, 2 bases deleted (TG; older notation c.578_579delTG).
Protein change: p.Val193fs; shifts the reading frame from valine 193.
Molecular consequence: frameshift variant.
Genome position (GRCh38, 1-based): chr1:156,868,508-156,868,509, TG deleted; deleting any 2 consecutive bases within chr1:156,868,505-156,868,509 gives the same sequence; the c. name uses the placement nearest the transcript's 3' end. VCF-style (leftmost placement, unchanged base first): chr1-156868504-GGT-G. GRCh37 (hg19) VCF-style: chr1-156838296-GGT-G.
Other names: c.578_579del (NM_001012331.1); c.488_489del, p.Val163fs (NM_001007792.1); c.576_577TG[1], p.Val193Alafs (NM_001012331.1); c.578_579del, p.Val193fs (NM_001012331.2); short protein forms V163fs, V193fs.
Identifiers: ClinVar variation 4814521 (VCV004814521.1).